The following is an entry in ClinVar:

NM_000057.4(BLM):c.210C>A (p.Asp70Glu)

Gene: BLM (BLM RecQ like helicase; plus strand). Cytogenetic location: 15q26.1.
Variant type: single nucleotide variant.
Coding change: c.210C>A on transcript NM_000057.4 (MANE Select); coding-DNA position 210, C replaced by A.
Protein change: p.Asp70Glu; replaces aspartic acid 70 with glutamic acid.
Molecular consequence: missense variant. On other transcripts: 5 prime UTR variant (1).
Genome position (GRCh38, 1-based): chr15:90,749,478, C>A. VCF-style: chr15-90749478-C-A. GRCh37 (hg19) VCF-style: chr15-91292708-C-A.
Other names: c.210C>A, p.Asp70Glu (NM_001287246.2, NM_001287247.2); c.-1082C>A (NM_001287248.2); short protein forms D70E.
Identifiers: ClinVar variation 4211965 (VCV004211965.1).

ClinVar aggregate classification (germline): Uncertain significance (1 of 4 stars; one submission).

Conditions:
Hereditary cancer-predisposing syndrome. Also called: Neoplastic Syndromes, Hereditary; Tumor predisposition; Hereditary Cancer Syndrome; Hereditary neoplastic syndrome. Identifiers: Orphanet 140162, MedGen C0027672, MeSH D009386, MONDO:0015356.

Submission:

Ambry Genetics
Classification: Uncertain significance for Hereditary cancer-predisposing syndrome. Last evaluated: 2025-08-10. Review status: criteria provided, single submitter. Criteria: Ambry Variant Classification Scheme 2023. Collection method: clinical testing. Allele origin: germline.
Comment: The p.D70E variant (also known as c.210C>A), located in coding exon 2 of the BLM gene, results from a C to A substitution at nucleotide position 210. The aspartic acid at codon 70 is replaced by glutamic acid, an amino acid with highly similar properties. This amino acid position is conserved. In addition, this alteration is predicted to be tolerated by in silico analysis. Based on the available evidence, the clinical significance of this variant remains unclear.